The following is an entry in ClinVar:

ClinVar aggregate classification (germline): Benign. Review status: criteria provided, multiple submitters, no conflicts (2 of 4 stars). 2 submissions from 2 submitters: Benign (2). Last evaluated 2018-06-18.

Allele frequency attached by ClinVar (database versions not stated): gnomAD 0.05377 and 0.05724; TOPMed 0.06158; 1000 Genomes Project 0.06550; 1000 Genomes Project 30x 0.06761.
gnomAD v4.1: 8,081 of 151,778 alleles (5.3%); highest among the groups gnomAD compares: African/African-American, 18%; 660 homozygotes.

Submissions (4):

GeneDx
Classification: Benign. Last evaluated: 2018-06-18. Review status: criteria provided, single submitter. Criteria: GeneDx Variant Classification (06012015). Collection method: clinical testing. Allele origin: germline. Affected: yes.
Comment: This variant is considered likely benign or benign based on one or more of the following criteria: it is a conservative change, it occurs at a poorly conserved position in the protein, it is predicted to be benign by multiple in silico algorithms, and/or has population frequency not consistent with disease.

Breakthrough Genomics
Classification: Benign. Review status: criteria provided, single submitter. Criteria: ACMG Guidelines, 2015. Collection method: not provided. Allele origin: germline. Inheritance: Unknown mechanism. Affected: yes.

Dr. Peter K. Rogan Lab, Western University
No classification provided (evidence only). Condition: Cervical cancer. Review status: no classification provided. Collection method: in vitro. Allele origin: not applicable. Functional consequence: retained intron. Not counted in ClinVar's aggregate classification.

Dr. Peter K. Rogan Lab, Western University
No classification provided (evidence only). Condition: Cervical cancer. Review status: no classification provided. Collection method: in vitro. Allele origin: not applicable. Functional consequence: retained intron. Not counted in ClinVar's aggregate classification.

NM_006393.3(NEBL):c.2242-302G>T

Gene: NEBL (nebulette; minus strand). Cytogenetic location: 10p12.31.
Variant type: single nucleotide variant.
Coding change: c.2242-302G>T on transcript NM_006393.3 (MANE Select); 302 bases into the intron before coding-DNA position 2242, G replaced by T.
Molecular consequence: intron variant.
Genome position (GRCh38, 1-based): chr10:20,814,345, C>A on the plus strand (G>T on the coding strand, the complement: NEBL is on the minus strand). VCF-style: chr10-20814345-C-A. GRCh37 (hg19) VCF-style: chr10-21103274-C-A.
Other names: NC_000010.10:g.21103274C>A; c.250-1405G>T (NM_001377326.1, NM_001377327.1, NM_001377328.1); c.358-1405G>T (NM_213569.2, NM_001173484.2, NM_001377322.1); c.301-1405G>T (NM_001377324.1); c.292-1405G>T (NM_001377325.1); c.310-1405G>T (NM_001377323.1).
Identifiers: ClinVar variation 683673 (VCV000683673.3), dbSNP rs61146312, ClinGen allele CA204167439.